The following is an entry in ClinVar:

ClinVar aggregate classification (germline): Pathogenic (1 of 4 stars; one submission).

Conditions:
Nemaline myopathy 2 (NEM2). Also called: Nemaline myopathy 2, autosomal recessive. Identifiers: MedGen C1850569, MONDO:0009725, OMIM 256030.

Submission:

Labcorp Genetics (formerly Invitae), Labcorp
Classification: Pathogenic for Nemaline myopathy 2. Last evaluated: 2020-01-27. Review status: criteria provided, single submitter. Criteria: Invitae Variant Classification Sherloc (09022015). Collection method: clinical testing. Allele origin: germline.
Comment: For these reasons, this variant has been classified as Pathogenic. Loss-of-function variants in NEB are known to be pathogenic (PMID: 25205138). This variant has not been reported in the literature in individuals with NEB-related conditions. This variant is not present in population databases (ExAC no frequency). This sequence change creates a premature translational stop signal (p.Met7171Tyrfs*12) in the NEB gene. It is expected to result in an absent or disrupted protein product.

Literature cited by the submitters: PubMed 25205138.

NM_001164508.2(NEB):c.21405dup (p.Met7136fs)

Genes: NEB (nebulin; minus strand), RIF1 (replication timing regulatory factor 1; plus strand). Cytogenetic location: 2q23.3.
Variant type: Duplication.
Coding change: c.21405dup on transcript NM_001164508.2 (MANE Select); coding-DNA position 21405, one base duplicated (T; older notation c.21405dupT).
Protein change: p.Met7136fs; shifts the reading frame from methionine 7136.
Molecular consequence: frameshift variant. On other transcripts: intron variant (2).
Genome position (GRCh38, 1-based): chr2:151,533,454, A duplicated on the plus strand (T on the coding strand, the reverse complement: NEB is on the minus strand). VCF-style (leftmost placement, unchanged base first): chr2-151533453-T-TA. GRCh37 (hg19) VCF-style: chr2-152389967-T-TA.
Other names: c.21510dup, p.Met7171fs (NM_001271208.2); c.16314+761dup (NM_004543.5); c.21417+761dup (NM_001164507.2); short protein forms M7136fs, M7171fs.
Identifiers: ClinVar variation 1074852 (VCV001074852.7), dbSNP rs2153515167, ClinGen allele CA2499215022.
Genomic context (GRCh38, chr2:151,533,453, plus strand): 5'-ATCCAAGACTTCTTCTAAACCTCCTTCTTCACATCCCATCAGACATTACCTGGCTCCACA[T>TA]ATGCGAATTGTAGAGAGCAGTCAACATATCTGGACGCAGAATTTCATTACATCCATGTTG-3'